The following is an entry in ClinVar:

NM_022489.4(INF2):c.281A>T (p.Asp94Val)

Gene: INF2 (inverted formin 2; plus strand). Cytogenetic location: 14q32.33.
Variant type: single nucleotide variant.
Coding change: c.281A>T on transcript NM_022489.4 (MANE Select); coding-DNA position 281, A replaced by T.
Protein change: p.Asp94Val; replaces aspartic acid 94 with valine.
Molecular consequence: missense variant. On other transcripts: non-coding transcript variant (1).
Genome position (GRCh38, 1-based): chr14:104,701,646, A>T. VCF-style: chr14-104701646-A-T. GRCh37 (hg19) VCF-style: chr14-105167983-A-T.
Other names: c.281A>T, p.Asp94Val (NM_001031714.4, NM_001426862.1, NM_001426863.1 and 6 more transcripts); short protein forms D94V.
Identifiers: ClinVar variation 3576423 (VCV003576423.3).

ClinVar aggregate classification (germline): Uncertain significance. Review status: criteria provided, multiple submitters, no conflicts (2 of 4 stars). 2 submissions from 2 submitters: Uncertain significance (2). Last evaluated 2025-02-12.

Conditions:
Focal segmental glomerulosclerosis 5 (FSGS5). Identifiers: Orphanet 656, MedGen C2750475, MONDO:0013191, OMIM 613237.
Charcot-Marie-Tooth disease dominant intermediate E. Also called: CHARCOT-MARIE-TOOTH NEUROPATHY WITH FOCAL SEGMENTAL GLOMERULONEPHRITIS. Identifiers: Orphanet 93114, MedGen C4302667, MONDO:0013758, OMIM 614455.

gnomAD v4.1: 5 of 1,597,790 alleles (0.00031%); highest among the groups gnomAD compares: Non-Finnish European, 0.00043%; no homozygotes.

Submissions (2):

Labcorp Genetics (formerly Invitae), Labcorp
Classification: Uncertain significance for Charcot-Marie-Tooth disease dominant intermediate E; Focal segmental glomerulosclerosis 5. Last evaluated: 2025-02-12. Review status: criteria provided, single submitter. Criteria: Invitae Variant Classification Sherloc (09022015). Collection method: clinical testing. Allele origin: germline.
Comment: This sequence change replaces aspartic acid, which is acidic and polar, with valine, which is neutral and non-polar, at codon 94 of the INF2 protein (p.Asp94Val). This variant is not present in population databases (gnomAD no frequency). This variant has not been reported in the literature in individuals affected with INF2-related conditions. ClinVar contains an entry for this variant (Variation ID: 3576423). Invitae Evidence Modeling of protein sequence and biophysical properties (such as structural, functional, and spatial information, amino acid conservation, physicochemical variation, residue mobility, and thermodynamic stability) indicates that this missense variant is expected to disrupt INF2 protein function with a positive predictive value of 95%. In summary, the available evidence is currently insufficient to determine the role of this variant in disease. Therefore, it has been classified as a Variant of Uncertain Significance.

Fulgent Genetics
Classification: Uncertain significance for Focal segmental glomerulosclerosis 5; Charcot-Marie-Tooth disease dominant intermediate E. Last evaluated: 2024-03-02. Review status: criteria provided, single submitter. Criteria: ACMG Guidelines, 2015. Collection method: clinical testing. Allele origin: germline.